The following is an entry in ClinVar:

ClinVar aggregate classification (germline): Uncertain significance. Review status: criteria provided, multiple submitters, no conflicts (2 of 4 stars). 2 submissions from 2 submitters: Uncertain significance (2). Last evaluated 2024-12-19.

Allele frequency attached by ClinVar (database versions not stated): gnomAD 0.00003 and 0.00004; ExAC 0.00004; gnomAD exomes 0.00004; TOPMed 0.00005; ESP Exome Variant Server 0.00008.
gnomAD v4.1: 131 of 1,612,826 alleles (0.0081%); highest among the groups gnomAD compares: Non-Finnish European, 0.01%; no homozygotes.

Submissions (2):

Ambry Genetics
Classification: Uncertain significance. Last evaluated: 2024-12-19. Review status: criteria provided, single submitter. Criteria: Ambry Variant Classification Scheme 2023. Collection method: clinical testing. Allele origin: germline.
Comment: The p.E113K variant (also known as c.337G>A), located in coding exon 2 of the ATRIP gene, results from a G to A substitution at nucleotide position 337. The glutamic acid at codon 113 is replaced by lysine, an amino acid with similar properties. This amino acid position is well conserved in available vertebrate species. In addition, this alteration is predicted to be deleterious by in silico analysis. The evidence for this gene-disease relationship is limited; therefore, the clinical significance of this alteration is unclear.

Labcorp Genetics (formerly Invitae), Labcorp
Classification: Uncertain significance. Last evaluated: 2023-10-19. Review status: criteria provided, single submitter. Criteria: Invitae Variant Classification Sherloc (09022015). Collection method: clinical testing. Allele origin: germline.
Comment: This sequence change replaces glutamic acid, which is acidic and polar, with lysine, which is basic and polar, at codon 113 of the ATRIP protein (p.Glu113Lys). This variant is present in population databases (rs149518027, gnomAD 0.008%). This variant has not been reported in the literature in individuals affected with ATRIP-related conditions. ClinVar contains an entry for this variant (Variation ID: 1431006). An algorithm developed to predict the effect of missense changes on protein structure and function (PolyPhen-2) suggests that this variant is likely to be disruptive. In summary, the available evidence is currently insufficient to determine the role of this variant in disease. Therefore, it has been classified as a Variant of Uncertain Significance.

NM_130384.3(ATRIP):c.337G>A (p.Glu113Lys)

Genes: ATRIP (ATR interacting protein; plus strand), ATRIP-TREX1 (ATRIP-TREX1 readthrough; plus strand). Cytogenetic location: 3p21.31.
Variant type: single nucleotide variant.
Coding change: c.337G>A on transcript NM_130384.3 (MANE Select); coding-DNA position 337, G replaced by A.
Protein change: p.Glu113Lys; replaces glutamic acid 113 with lysine.
Molecular consequence: missense variant. On other transcripts: non-coding transcript variant (1), 5 prime UTR variant (1).
Genome position (GRCh38, 1-based): chr3:48,450,126, G>A. VCF-style: chr3-48450126-G-A. GRCh37 (hg19) VCF-style: chr3-48491532-G-A.
Other names: c.337G>A (NM_130384.1); c.-128G>A (NM_001271022.2); c.58G>A, p.Glu20Lys (NM_001271023.2); c.337G>A, p.Glu113Lys (NM_032166.4); short protein forms E20K, E113K.
Identifiers: ClinVar variation 1431006 (VCV001431006.7), dbSNP rs149518027, ClinGen allele CA2375943.